The following is an entry in ClinVar:

ClinVar aggregate classification (germline): Uncertain significance. Review status: criteria provided, multiple submitters, no conflicts (2 of 4 stars). 3 submissions from 3 submitters: Uncertain significance (3). Last evaluated 2025-12-15.

Conditions:
Isolated focal cortical dysplasia type II (FCORD2). Also called: CORTICAL DYSPLASIA OF TAYLOR; Focal cortical dysplasia type II. Identifiers: Orphanet 268994, MedGen C1846385, MONDO:0011818, OMIM 607341, HP:0032051.
Lymphangiomyomatosis (LAM). Also called: Lymphangioleiomyomatosis, somatic; Lymphangioleiomyomatosis. Identifiers: Orphanet 538, MedGen C0751674, MONDO:0011705, OMIM 606690.
Tuberous sclerosis 2 (TSC2). Identifiers: Orphanet 805, MedGen C1860707, MONDO:0013199, OMIM 613254.
Hereditary cancer-predisposing syndrome. Also called: Hereditary Cancer Syndrome; Tumor predisposition; Hereditary neoplastic syndrome; Neoplastic Syndromes, Hereditary. Identifiers: Orphanet 140162, MedGen C0027672, MeSH D009386, MONDO:0015356.

Allele frequency attached by ClinVar (database versions not stated): gnomAD exomes below 0.00001.
gnomAD v4.1: 2 of 1,612,484 alleles (0.00012%); highest among the groups gnomAD compares: Non-Finnish European, 0.00017%; no homozygotes.

Submissions (3):

Labcorp Genetics (formerly Invitae), Labcorp
Classification: Uncertain significance for Tuberous sclerosis 2. Last evaluated: 2025-12-15. Review status: criteria provided, single submitter. Criteria: Invitae Variant Classification Sherloc (09022015). Collection method: clinical testing. Allele origin: germline.
Comment: This sequence change replaces valine, which is neutral and non-polar, with alanine, which is neutral and non-polar, at codon 241 of the TSC2 protein (p.Val241Ala). This variant is not present in population databases (gnomAD no frequency). This variant has not been reported in the literature in individuals affected with TSC2-related conditions. ClinVar contains an entry for this variant (Variation ID: 1056341). Invitae Evidence Modeling of protein sequence and biophysical properties (such as structural, functional, and spatial information, amino acid conservation, physicochemical variation, residue mobility, and thermodynamic stability) indicates that this missense variant is not expected to disrupt TSC2 protein function with a negative predictive value of 95%. In summary, the available evidence is currently insufficient to determine the role of this variant in disease. Therefore, it has been classified as a Variant of Uncertain Significance.

Ambry Genetics
Classification: Uncertain significance for Hereditary cancer-predisposing syndrome. Last evaluated: 2025-09-27. Review status: criteria provided, single submitter. Criteria: Ambry Variant Classification Scheme 2023. Collection method: clinical testing. Allele origin: germline.
Comment: The p.V241A variant (also known as c.722T>C), located in coding exon 7 of the TSC2 gene, results from a T to C substitution at nucleotide position 722. The valine at codon 241 is replaced by alanine, an amino acid with similar properties. This amino acid position is conserved. In addition, the in silico prediction for this alteration is inconclusive. Since supporting evidence is limited at this time, the clinical significance of this alteration remains unclear.

Fulgent Genetics
Classification: Uncertain significance for Lymphangiomyomatosis; Isolated focal cortical dysplasia type II; Tuberous sclerosis 2. Last evaluated: 2022-04-22. Review status: criteria provided, single submitter. Criteria: ACMG Guidelines, 2015. Collection method: clinical testing. Allele origin: unknown.

NM_000548.5(TSC2):c.722T>C (p.Val241Ala)

Gene: TSC2 (TSC complex subunit 2; plus strand). Cytogenetic location: 16p13.3.
Variant type: single nucleotide variant.
Coding change: c.722T>C on transcript NM_000548.5 (MANE Select); coding-DNA position 722, T replaced by C.
Protein change: p.Val241Ala; replaces valine 241 with alanine.
Molecular consequence: missense variant.
Genome position (GRCh38, 1-based): chr16:2,056,717, T>C. VCF-style: chr16-2056717-T-C. GRCh37 (hg19) VCF-style: chr16-2106718-T-C.
Other names: c.722T>C, p.Val241Ala (NM_001363528.2, NM_001370404.1, NM_001370405.1 and 3 more transcripts); c.755T>C, p.Val252Ala (NM_001318832.2); c.611T>C, p.Val204Ala (NM_001318827.2); c.575T>C, p.Val192Ala (NM_001318829.2); c.122T>C, p.Val41Ala (NM_001318831.2); short protein forms V192A, V204A, V241A, V252A, V41A.
Identifiers: ClinVar variation 1056341 (VCV001056341.12), dbSNP rs888878542, ClinGen allele CA276774780.